The following is an entry in ClinVar:

ClinVar aggregate classification (germline): Uncertain significance (1 of 4 stars; one submission).

Submission:

Labcorp Genetics (formerly Invitae), Labcorp
Classification: Uncertain significance. Last evaluated: 2025-11-20. Review status: criteria provided, single submitter. Criteria: Invitae Variant Classification Sherloc (09022015). Collection method: clinical testing. Allele origin: germline.
Comment: This sequence change creates a premature translational stop signal (p.Ser1870*) in the TET2 gene. While this is not anticipated to result in nonsense mediated decay, it is expected to disrupt the last 133 amino acid(s) of the TET2 protein. This variant is not present in population databases (gnomAD no frequency). This variant has not been reported in the literature in individuals affected with TET2-related conditions. Experimental studies and prediction algorithms are not available or were not evaluated, and the functional significance of this variant is currently unknown. In summary, the available evidence is currently insufficient to determine the role of this variant in disease. Therefore, it has been classified as a Variant of Uncertain Significance.

NM_001127208.3(TET2):c.5609C>G (p.Ser1870Ter)

Genes: TET2-AS1 (TET2 antisense RNA 1; minus strand), TET2 (tet methylcytosine dioxygenase 2; plus strand). Cytogenetic location: 4q24.
Variant type: single nucleotide variant.
Coding change: c.5609C>G on transcript NM_001127208.3 (MANE Select); coding-DNA position 5609, C replaced by G.
Protein change: p.Ser1870Ter; replaces serine 1870 with a stop codon.
Molecular consequence: nonsense.
Genome position (GRCh38, 1-based): chr4:105,276,119, C>G. VCF-style: chr4-105276119-C-G. GRCh37 (hg19) VCF-style: chr4-106197276-C-G.
Other names: short protein forms S1870*.
Identifiers: ClinVar variation 4731605 (VCV004731605.1).